The following is an entry in ClinVar:

ClinVar aggregate classification (germline): Benign/Likely benign. Review status: criteria provided, single submitter (1 of 4 stars). 5 submissions from 1 submitter: Benign (2); Likely benign (3). Last evaluated 2018-01-13.

Conditions:
Brachydactyly. Also called: Brachydactyly syndrome; Brachydactyly (disease). Identifiers: MedGen C0221357, MONDO:0021004, HP:0001156.
Multiple synostoses syndrome 2 (SYNS2). Identifiers: Orphanet 3237, MedGen C1832708, MONDO:0012394, OMIM 610017.
Acromesomelic dysplasia 2B. Also called: DU PAN SYNDROME. Identifiers: Orphanet 2639, MedGen C1856738, MONDO:0009231, OMIM 228900.
Grebe syndrome. Also called: ACROMESOMELIC DYSPLASIA, GREBE TYPE; GREBE DYSPLASIA; ACROMESOMELIC DYSPLASIA 2A. Identifiers: Orphanet 2098, MedGen C0265260, MONDO:0008703, OMIM 200700.
Acromesomelic dysplasia 2C, Hunter-Thompson type. Also called: Acromesomelic dysplasia, Hunter-Thompson type. Identifiers: Orphanet 968, MedGen C2930970, MONDO:0008717, OMIM 201250.

Allele frequency attached by ClinVar (database versions not stated): gnomAD 0.00004 and 0.00006; gnomAD exomes 0.00005; TOPMed 0.00006; 1000 Genomes Project 30x 0.00047; 1000 Genomes Project 0.00060.
gnomAD v4.1: 22 of 348,400 alleles (0.0063%); highest among the groups gnomAD compares: East Asian, 0.13%; no homozygotes.

Submissions (5):

Illumina Laboratory Services, Illumina
Classification: Benign for Brachydactyly. Last evaluated: 2018-01-13. Review status: criteria provided, single submitter. Criteria: ICSL Variant Classification Criteria 13 December 2019. Collection method: clinical testing. Allele origin: germline.
Comment: This variant was observed in the ICSL laboratory as part of a predisposition screen in an ostensibly healthy population. It had not been previously curated by ICSL or reported in the Human Gene Mutation Database (HGMD: prior to June 1st, 2018), and was therefore a candidate for classification through an automated scoring system. Utilizing variant allele frequency, disease prevalence and penetrance estimates, and inheritance mode, an automated score was calculated to assess if this variant is too frequent to cause the disease. Based on the score and internal cut-off values, a variant classified as benign is not then subjected to further curation. The score for this variant resulted in a classification of benign for this disease.

Illumina Laboratory Services, Illumina
Classification: Likely benign for Fibular hypoplasia and complex brachydactyly. Last evaluated: 2018-01-13. Review status: criteria provided, single submitter. Criteria: ICSL Variant Classification Criteria 13 December 2019. Collection method: clinical testing. Allele origin: germline.
Comment: This variant was observed in the ICSL laboratory as part of a predisposition screen in an ostensibly healthy population. It had not been previously curated by ICSL or reported in the Human Gene Mutation Database (HGMD: prior to June 1st, 2018), and was therefore a candidate for classification through an automated scoring system. Utilizing variant allele frequency, disease prevalence and penetrance estimates, and inheritance mode, an automated score was calculated to assess if this variant is too frequent to cause the disease. Based on the score and internal cut-off values, a variant classified as likely benign is not then subjected to further curation. The score for this variant resulted in a classification of likely benign for this disease.

Illumina Laboratory Services, Illumina
Classification: Likely benign for Grebe syndrome. Last evaluated: 2018-01-13. Review status: criteria provided, single submitter. Criteria: ICSL Variant Classification Criteria 13 December 2019. Collection method: clinical testing. Allele origin: germline.
Comment: the same text as in the submission from Illumina Laboratory Services, Illumina above.

Illumina Laboratory Services, Illumina
Classification: Benign for Multiple synostoses syndrome 2. Last evaluated: 2018-01-13. Review status: criteria provided, single submitter. Criteria: ICSL Variant Classification Criteria 13 December 2019. Collection method: clinical testing. Allele origin: germline.
Comment: the same text as in the submission from Illumina Laboratory Services, Illumina above.

Illumina Laboratory Services, Illumina
Classification: Likely benign for Acromesomelic dysplasia 2C, Hunter-Thompson type. Last evaluated: 2018-01-13. Review status: criteria provided, single submitter. Criteria: ICSL Variant Classification Criteria 13 December 2019. Collection method: clinical testing. Allele origin: germline.
Comment: the same text as in the submission from Illumina Laboratory Services, Illumina above.

NM_000557.5(GDF5):c.*387T>C

Genes: GDF5-AS1 (GDF5 antisense RNA 1; plus strand), GDF5 (growth differentiation factor 5; minus strand). Cytogenetic location: 20q11.22.
Variant type: single nucleotide variant.
Coding change: c.*387T>C on transcript NM_000557.5 (MANE Select); 387 bases downstream of the stop codon, T replaced by C.
Molecular consequence: 3 prime UTR variant.
Genome position (GRCh38, 1-based): chr20:35,433,522, A>G on the plus strand (T>C on the coding strand, the complement: GDF5 is on the minus strand). VCF-style: chr20-35433522-A-G. GRCh37 (hg19) VCF-style: chr20-34021320-A-G.
Other names: c.*387T>C (NM_001319138.2).
Identifiers: ClinVar variation 338312 (VCV000338312.5), dbSNP rs553655935, ClinGen allele CA10653094.